The following is an entry in ClinVar:

ClinVar aggregate classification (germline): Uncertain significance. Review status: criteria provided, multiple submitters, no conflicts (2 of 4 stars). 2 submissions from 2 submitters: Uncertain significance (2). Last evaluated 2024-12-23.

Conditions:
Alstrom syndrome (ALMS). Identifiers: Orphanet 64, MedGen C0268425, MONDO:0008763, OMIM 203800.
Cardiovascular phenotype. Identifiers: MedGen CN230736.

Submissions (2):

Ambry Genetics
Classification: Uncertain significance for Cardiovascular phenotype. Last evaluated: 2024-12-23. Review status: criteria provided, single submitter. Criteria: Ambry Variant Classification Scheme 2023. Collection method: clinical testing. Allele origin: germline.
Comment: The p.T2592S variant (also known as c.7775C>G), located in coding exon 10 of the ALMS1 gene, results from a C to G substitution at nucleotide position 7775. The threonine at codon 2592 is replaced by serine, an amino acid with similar properties. This amino acid position is well conserved in available vertebrate species. In addition, this alteration is predicted to be tolerated by in silico analysis. Based on the available evidence, the clinical significance of this variant remains unclear.

Labcorp Genetics (formerly Invitae), Labcorp
Classification: Uncertain significance for Alstrom syndrome. Last evaluated: 2022-06-05. Review status: criteria provided, single submitter. Criteria: Invitae Variant Classification Sherloc (09022015). Collection method: clinical testing. Allele origin: germline.
Comment: In summary, the available evidence is currently insufficient to determine the role of this variant in disease. Therefore, it has been classified as a Variant of Uncertain Significance. Experimental studies and prediction algorithms are not available or were not evaluated, and the functional significance of this variant is currently unknown. ClinVar contains an entry for this variant (Variation ID: 1385437). This variant has not been reported in the literature in individuals affected with ALMS1-related conditions. This variant is not present in population databases (gnomAD no frequency). This sequence change replaces threonine with serine at codon 2592 of the ALMS1 protein (p.Thr2592Ser). The threonine residue is moderately conserved and there is a moderate physicochemical difference between threonine and serine.

NM_001378454.1(ALMS1):c.7772C>G (p.Thr2591Ser)

Gene: ALMS1 (ALMS1 centrosome and basal body associated protein; plus strand). Cytogenetic location: 2p13.1.
Variant type: single nucleotide variant.
Coding change: c.7772C>G on transcript NM_001378454.1 (MANE Select); coding-DNA position 7772, C replaced by G.
Protein change: p.Thr2591Ser; replaces threonine 2591 with serine.
Molecular consequence: missense variant.
Genome position (GRCh38, 1-based): chr2:73,489,731, C>G. VCF-style: chr2-73489731-C-G. GRCh37 (hg19) VCF-style: chr2-73716858-C-G.
Other names: c.7775C>G, p.Thr2592Ser (NM_015120.4); short protein forms T2591S, T2592S.
Identifiers: ClinVar variation 1385437 (VCV001385437.5), dbSNP rs2103889489, ClinGen allele CA347264034.